The following is an entry in ClinVar:

ClinVar aggregate classification (germline): Uncertain significance (1 of 4 stars; one submission).

Submission:

Labcorp Genetics (formerly Invitae), Labcorp
Classification: Uncertain significance. Last evaluated: 2023-06-10. Review status: criteria provided, single submitter. Criteria: Invitae Variant Classification Sherloc (09022015). Collection method: clinical testing. Allele origin: germline.
Comment: This variant has not been reported in the literature in individuals affected with KMT2C-related conditions. In summary, the available evidence is currently insufficient to determine the role of this variant in disease. Therefore, it has been classified as a Variant of Uncertain Significance. Advanced modeling of protein sequence and biophysical properties (such as structural, functional, and spatial information, amino acid conservation, physicochemical variation, residue mobility, and thermodynamic stability) performed at Invitae indicates that this missense variant is not expected to disrupt KMT2C protein function. This variant is not present in population databases (gnomAD no frequency). This sequence change replaces glutamic acid, which is acidic and polar, with lysine, which is basic and polar, at codon 1666 of the KMT2C protein (p.Glu1666Lys).

NM_170606.3(KMT2C):c.4996G>A (p.Glu1666Lys)

Gene: KMT2C (lysine methyltransferase 2C; minus strand). Cytogenetic location: 7q36.1.
Variant type: single nucleotide variant.
Coding change: c.4996G>A on transcript NM_170606.3 (MANE Select); coding-DNA position 4996, G replaced by A.
Protein change: p.Glu1666Lys; replaces glutamic acid 1666 with lysine.
Molecular consequence: missense variant.
Genome position (GRCh38, 1-based): chr7:152,187,274, C>T on the plus strand (G>A on the coding strand, the complement: KMT2C is on the minus strand). VCF-style: chr7-152187274-C-T. GRCh37 (hg19) VCF-style: chr7-151884359-C-T.
Other names: short protein forms E1666K.
Identifiers: ClinVar variation 2863558 (VCV002863558.3), dbSNP rs2129124513, ClinGen allele CA370102059.